The following is an entry in ClinVar:

ClinVar aggregate classification (germline): Benign/Likely benign. Review status: criteria provided, multiple submitters, no conflicts (2 of 4 stars). 10 submissions from 10 submitters: Benign (9); Likely benign (1). Last evaluated 2026-02-03.

Conditions:
Inborn genetic diseases. Identifiers: MedGen C0950123, MeSH D030342.
Mowat-Wilson syndrome (MOWS). Also called: Classic Mowat-Wilson Syndrome. Identifiers: Orphanet 2152, MedGen C1856113, MONDO:0009341, OMIM 235730.

Allele frequency attached by ClinVar (database versions not stated): gnomAD exomes 0.00180 and 0.00393; gnomAD 0.01102 and 0.01035; 1000 Genomes Project 0.01398; ESP Exome Variant Server 0.01118; ExAC 0.00411; 1000 Genomes Project 30x 0.01468; TOPMed 0.01275.
gnomAD v4.1: 4,342 of 1,609,982 alleles (0.27%); highest among the groups gnomAD compares: African/African-American, 3.1%; 53 homozygotes.

Submissions (10):

Labcorp Genetics (formerly Invitae), Labcorp
Classification: Benign for Mowat-Wilson syndrome. Last evaluated: 2026-02-03. Review status: criteria provided, single submitter. Criteria: Invitae Variant Classification Sherloc (09022015). Collection method: clinical testing. Allele origin: germline.

CeGaT Center for Human Genetics Tuebingen
Classification: Likely benign. Last evaluated: 2023-01-01. Review status: criteria provided, single submitter. Criteria: CeGaT Center For Human Genetics Tuebingen Variant Classification Criteria Version 2. Collection method: clinical testing. Allele origin: germline. Affected: yes. Observed: 8 variant alleles.
Comment: ZEB2: BP4, BP7

Genome-Nilou Lab
Classification: Benign for Mowat-Wilson syndrome. Last evaluated: 2021-11-07. Review status: criteria provided, single submitter. Criteria: ACMG Guidelines, 2015. Collection method: clinical testing. Allele origin: germline. Affected: no.

Mayo Clinic Laboratories, Mayo Clinic
Classification: Benign. Last evaluated: 2018-08-01. Review status: criteria provided, single submitter. Criteria: ACMG Guidelines, 2015. Collection method: clinical testing. Allele origin: germline. Observed: 6 variant alleles.

Center for Pediatric Genomic Medicine, Children's Mercy Hospital and Clinics
Classification: Benign. Last evaluated: 2016-09-12. Review status: criteria provided, single submitter. Criteria: ACMG Guidelines, 2015. Collection method: clinical testing. Allele origin: germline.

Ambry Genetics
Classification: Benign for Inborn genetic diseases. Last evaluated: 2016-05-06. Review status: criteria provided, single submitter. Criteria: Ambry Variant Classification Scheme 2023. Collection method: clinical testing. Allele origin: germline.

GeneDx
Classification: Benign. Last evaluated: 2014-03-03. Review status: criteria provided, single submitter. Criteria: GeneDx Variant Classification (06012015). Collection method: clinical testing. Allele origin: germline. Affected: yes.
Comment: This variant is considered likely benign or benign based on one or more of the following criteria: it is a conservative change, it occurs at a poorly conserved position in the protein, it is predicted to be benign by multiple in silico algorithms, and/or has population frequency not consistent with disease.

Eurofins Ntd Llc (ga)
Classification: Benign. Last evaluated: 2013-06-21. Review status: criteria provided, single submitter. Criteria: EGL Classification Definitions 2015. Collection method: clinical testing. Allele origin: germline. Observed: 9 variant alleles, 9 heterozygotes.

Genetic Services Laboratory, University of Chicago
Classification: Benign. Last evaluated: 2013-06-05. Review status: criteria provided, single submitter. Criteria: ACMG Guidelines, 2007. Collection method: clinical testing. Allele origin: germline. Inheritance: Autosomal dominant inheritance.

Breakthrough Genomics
Classification: Benign. Review status: criteria provided, single submitter. Criteria: ACMG Guidelines, 2015. Collection method: not provided. Allele origin: germline. Inheritance: Autosomal dominant inheritance. Affected: yes.

NM_014795.4(ZEB2):c.930C>T (p.Tyr310=)

Gene: ZEB2 (zinc finger E-box binding homeobox 2; minus strand). Cytogenetic location: 2q22.3.
Variant type: single nucleotide variant.
Coding change: c.930C>T on transcript NM_014795.4 (MANE Select); coding-DNA position 930, C replaced by T.
Protein change: p.Tyr310=; no amino-acid change (tyrosine 310 retained).
Molecular consequence: synonymous variant.
Genome position (GRCh38, 1-based): chr2:144,400,257, G>A on the plus strand (C>T on the coding strand, the complement: ZEB2 is on the minus strand). VCF-style: chr2-144400257-G-A. GRCh37 (hg19) VCF-style: chr2-145157824-G-A.
Other names: p.Y310Y:TAC>TAT; p.Tyr310=; c.858C>T, p.Tyr286= (NM_001171653.2).
Identifiers: ClinVar variation 95643 (VCV000095643.50), dbSNP rs6711223, ClinGen allele CA148686.